The following is an entry in ClinVar:

ClinVar aggregate classification (germline): Uncertain significance. Review status: criteria provided, multiple submitters, no conflicts (2 of 4 stars). 2 submissions from 2 submitters: Uncertain significance (2). Last evaluated 2025-10-09.

Conditions:
Joubert syndrome. Also called: Familial aplasia of the vermis; JOUBERT-BOLTSHAUSER SYNDROME. Identifiers: Orphanet 475, MedGen C5979921, MONDO:0018772.
INPP5E-related disorder. Also called: INPP5E-related condition.

Allele frequency attached by ClinVar (database versions not stated): gnomAD exomes below 0.00001; TOPMed below 0.00001; gnomAD 0.00001.

Submissions (2):

PreventionGenetics, part of Exact Sciences
Classification: Uncertain significance for INPP5E-related condition. Last evaluated: 2025-10-09. Review status: criteria provided, single submitter. Criteria: ACMG Guidelines, 2015. Collection method: clinical testing. Allele origin: germline.
Comment: The INPP5E c.271T>G variant is predicted to result in the amino acid substitution p.Trp91Gly. To our knowledge, this variant has not been reported in the literature or in a large population database (gnomAD), indicating this variant is rare. At this time, the clinical significance of this variant is uncertain due to the absence of conclusive functional and genetic evidence.

Labcorp Genetics (formerly Invitae), Labcorp
Classification: Uncertain significance for Joubert syndrome. Last evaluated: 2022-08-11. Review status: criteria provided, single submitter. Criteria: Invitae Variant Classification Sherloc (09022015). Collection method: clinical testing. Allele origin: germline.
Comment: This sequence change replaces tryptophan, which is neutral and slightly polar, with glycine, which is neutral and non-polar, at codon 91 of the INPP5E protein (p.Trp91Gly). In summary, the available evidence is currently insufficient to determine the role of this variant in disease. Therefore, it has been classified as a Variant of Uncertain Significance. Advanced modeling of protein sequence and biophysical properties (such as structural, functional, and spatial information, amino acid conservation, physicochemical variation, residue mobility, and thermodynamic stability) performed at Invitae indicates that this missense variant is expected to disrupt INPP5E protein function. This variant has not been reported in the literature in individuals affected with INPP5E-related conditions. This variant is not present in population databases (gnomAD no frequency).

NM_019892.6(INPP5E):c.271T>G (p.Trp91Gly)

Gene: INPP5E (inositol polyphosphate-5-phosphatase E; minus strand). Cytogenetic location: 9q34.3.
Variant type: single nucleotide variant.
Coding change: c.271T>G on transcript NM_019892.6 (MANE Select); coding-DNA position 271, T replaced by G.
Protein change: p.Trp91Gly; replaces tryptophan 91 with glycine.
Molecular consequence: missense variant.
Genome position (GRCh38, 1-based): chr9:136,439,149, A>C on the plus strand (T>G on the coding strand, the complement: INPP5E is on the minus strand). VCF-style: chr9-136439149-A-C. GRCh37 (hg19) VCF-style: chr9-139333601-A-C.
Other names: c.271T>G (NM_019892.5); c.271T>G, p.Trp91Gly (NM_001318502.2); short protein forms W91G.
Identifiers: ClinVar variation 1946891 (VCV001946891.6), dbSNP rs1042115397, ClinGen allele CA201649184.